The following is an entry in ClinVar:

NM_001184.4(ATR):c.698G>A (p.Gly233Asp)

Gene: ATR (ATR checkpoint kinase; minus strand). Cytogenetic location: 3q23.
Variant type: single nucleotide variant.
Coding change: c.698G>A on transcript NM_001184.4 (MANE Select); coding-DNA position 698, G replaced by A.
Protein change: p.Gly233Asp; replaces glycine 233 with aspartic acid.
Molecular consequence: missense variant.
Genome position (GRCh38, 1-based): chr3:142,562,704, C>T on the plus strand (G>A on the coding strand, the complement: ATR is on the minus strand). VCF-style: chr3-142562704-C-T. GRCh37 (hg19) VCF-style: chr3-142281546-C-T.
Other names: c.698G>A, p.Gly233Asp (NM_001354579.2); short protein forms G233D.
Identifiers: ClinVar variation 1756468 (VCV001756468.2), dbSNP rs2108487899, ClinGen allele CA354825962.
Genomic context (GRCh38, chr3:142,562,704, plus strand): 5'-GTTAAAAAGCTAATTGCTAGGGATTTAATTTTTGGACTACCATACTCTAGCAGAACACAA[C>T]CTATCTGCCAAAGTAAGAGTTCTTGCCTTCTAAAAAACACAATTGCAATAATACGAGTAA-3'
Protein context (NP_001175.2, residues 223-243): RRQELLLWQI[Gly233Asp]CVLLEYGSPK

ClinVar aggregate classification (germline): Uncertain significance (1 of 4 stars; one submission).

Conditions:
Inborn genetic diseases. Identifiers: MedGen C0950123, MeSH D030342.

Submission:

Ambry Genetics
Classification: Uncertain significance for Inborn genetic diseases. Last evaluated: 2021-09-13. Review status: criteria provided, single submitter. Criteria: Ambry Variant Classification Scheme 2023. Collection method: clinical testing. Allele origin: germline.
Comment: The p.G233D variant (also known as c.698G>A), located in coding exon 4 of the ATR gene, results from a G to A substitution at nucleotide position 698. The glycine at codon 233 is replaced by aspartic acid, an amino acid with similar properties. This amino acid position is conserved. In addition, the in silico prediction for this alteration is inconclusive. Since supporting evidence is limited at this time, the clinical significance of this alteration remains unclear.